The following is an entry in ClinVar:

NM_001204.7(BMPR2):c.2063A>G (p.His688Arg)

Gene: BMPR2 (bone morphogenetic protein receptor type 2; plus strand). Cytogenetic location: 2q33.2.
Variant type: single nucleotide variant.
Coding change: c.2063A>G on transcript NM_001204.7 (MANE Select); coding-DNA position 2063, A replaced by G.
Protein change: p.His688Arg; replaces histidine 688 with arginine.
Molecular consequence: missense variant.
Genome position (GRCh38, 1-based): chr2:202,555,728, A>G. VCF-style: chr2-202555728-A-G. GRCh37 (hg19) VCF-style: chr2-203420451-A-G.
Other names: short protein forms H688R.
Identifiers: ClinVar variation 3992177 (VCV003992177.1).
Genomic context (GRCh38, chr2:202,555,728, plus strand): 5'-TAGACCCAAAAGAAGTTGATAAGAACCTCAAGGAAAGCTCTGATGAGAATCTCATGGAGC[A>G]CTCTCTTAAACAGTTCAGTGGCCCAGACCCACTGAGCAGTACTAGTTCTAGCTTGCTTTA-3'
Protein context (NP_001195.2, residues 678-698): KESSDENLME[His688Arg]SLKQFSGPDP

ClinVar aggregate classification (germline): Uncertain significance (1 of 4 stars; one submission).

Conditions:
Inborn genetic diseases. Identifiers: MedGen C0950123, MeSH D030342.

gnomAD v4.1: 2 of 1,614,114 alleles (0.00012%); highest among the groups gnomAD compares: African/African-American, 0.0013%; no homozygotes.

Submission:

Ambry Genetics
Classification: Uncertain significance for Inborn genetic diseases. Last evaluated: 2025-05-17. Review status: criteria provided, single submitter. Criteria: Ambry Variant Classification Scheme 2023. Collection method: clinical testing. Allele origin: germline.
Comment: The p.H688R variant (also known as c.2063A>G), located in coding exon 12 of the BMPR2 gene, results from an A to G substitution at nucleotide position 2063. The histidine at codon 688 is replaced by arginine, an amino acid with highly similar properties. This amino acid position is conserved. In addition, this alteration is predicted to be deleterious by in silico analysis. Based on the available evidence, the clinical significance of this variant remains unclear.